The following is an entry in ClinVar:

NM_001013838.3(CARMIL2):c.3782C>T (p.Ser1261Leu)

Gene: CARMIL2 (capping protein regulator and myosin 1 linker 2; plus strand). Cytogenetic location: 16q22.1.
Variant type: single nucleotide variant.
Coding change: c.3782C>T on transcript NM_001013838.3 (MANE Select); coding-DNA position 3782, C replaced by T.
Protein change: p.Ser1261Leu; replaces serine 1261 with leucine.
Molecular consequence: missense variant.
Genome position (GRCh38, 1-based): chr16:67,656,267, C>T. VCF-style: chr16-67656267-C-T. GRCh37 (hg19) VCF-style: chr16-67690170-C-T.
Other names: c.3674C>T, p.Ser1225Leu (NM_001317026.3); short protein forms S1225L, S1261L.
Identifiers: ClinVar variation 2058147 (VCV002058147.4), dbSNP rs1360740229, ClinGen allele CA396347467.

ClinVar aggregate classification (germline): Uncertain significance (1 of 4 stars; one submission).

Allele frequency attached by ClinVar (database versions not stated): gnomAD exomes 0.00002; gnomAD 0.00001; TOPMed 0.00001.
gnomAD v4.1: 23 of 1,613,902 alleles (0.0014%); highest among the groups gnomAD compares: Non-Finnish European, 0.0017%; no homozygotes.

Submission:

Labcorp Genetics (formerly Invitae), Labcorp
Classification: Uncertain significance. Last evaluated: 2022-08-19. Review status: criteria provided, single submitter. Criteria: Invitae Variant Classification Sherloc (09022015). Collection method: clinical testing. Allele origin: germline.
Comment: This sequence change replaces serine, which is neutral and polar, with leucine, which is neutral and non-polar, at codon 1261 of the CARMIL2 protein (p.Ser1261Leu). This variant is present in population databases (no rsID available, gnomAD 0.003%). This variant has not been reported in the literature in individuals affected with CARMIL2-related conditions. Algorithms developed to predict the effect of missense changes on protein structure and function are either unavailable or do not agree on the potential impact of this missense change (SIFT: "Tolerated"; PolyPhen-2: "Probably Damaging"; Align-GVGD: "Class C0"). In summary, the available evidence is currently insufficient to determine the role of this variant in disease. Therefore, it has been classified as a Variant of Uncertain Significance.